The following is an entry in ClinVar:

NM_002439.5(MSH3):c.683T>C (p.Ile228Thr)

Gene: MSH3 (mutS homolog 3; plus strand). Cytogenetic location: 5q14.1.
Variant type: single nucleotide variant.
Coding change: c.683T>C on transcript NM_002439.5 (MANE Select); coding-DNA position 683, T replaced by C.
Protein change: p.Ile228Thr; replaces isoleucine 228 with threonine.
Molecular consequence: missense variant.
Genome position (GRCh38, 1-based): chr5:80,670,200, T>C. VCF-style: chr5-80670200-T-C. GRCh37 (hg19) VCF-style: chr5-79966019-T-C.
Other names: short protein forms I228T.
Identifiers: ClinVar variation 1478362 (VCV001478362.6), dbSNP rs2112812257, ClinGen allele CA360266753.
Genomic context (GRCh38, chr5:80,670,200, plus strand): 5'-CAAGTCATGAAAATTTACAGAAAACTGCTTCCAAATCAGCTAACAAACGGTCCAAAAGCA[T>C]CTATACGCCGCTAGAATTACAATACATAGAAATGAAGCAGCAGCACAAAGATGCAGTTTT-3'
Protein context (NP_002430.3, residues 218-238): SKSANKRSKS[Ile228Thr]YTPLELQYIE

ClinVar aggregate classification (germline): Uncertain significance (1 of 4 stars; one submission).

Submission:

Labcorp Genetics (formerly Invitae), Labcorp
Classification: Uncertain significance. Last evaluated: 2021-10-01. Review status: criteria provided, single submitter. Criteria: Invitae Variant Classification Sherloc (09022015). Collection method: clinical testing. Allele origin: germline.
Comment: This sequence change replaces isoleucine with threonine at codon 228 of the MSH3 protein (p.Ile228Thr). The isoleucine residue is moderately conserved and there is a moderate physicochemical difference between isoleucine and threonine. This variant is not present in population databases (ExAC no frequency). This variant has not been reported in the literature in individuals affected with MSH3-related conditions. Algorithms developed to predict the effect of missense changes on protein structure and function (SIFT, PolyPhen-2, Align-GVGD) all suggest that this variant is likely to be tolerated. In summary, the available evidence is currently insufficient to determine the role of this variant in disease. Therefore, it has been classified as a Variant of Uncertain Significance.